The following is an entry in ClinVar:

ClinVar aggregate classification (germline): Uncertain significance. Review status: criteria provided, multiple submitters, no conflicts (2 of 4 stars). 2 submissions from 2 submitters: Uncertain significance (2). Last evaluated 2025-07-10.

Conditions:
Hereditary cancer-predisposing syndrome. Also called: Hereditary neoplastic syndrome; Neoplastic Syndromes, Hereditary; Tumor predisposition; Hereditary Cancer Syndrome. Identifiers: Orphanet 140162, MedGen C0027672, MeSH D009386, MONDO:0015356.
Neuroblastoma, susceptibility to, 3. Also called: ALK-Related Neuroblastic Tumor Susceptibility. Identifiers: Orphanet 635, MedGen C2751681, MONDO:0013083, OMIM 613014.

Allele frequency attached by ClinVar (database versions not stated): gnomAD 0.00001; TOPMed 0.00001.
gnomAD v4.1: 1 of 1,614,032 alleles (0.000062%); highest among the groups gnomAD compares: African/African-American, 0.0013%; no homozygotes.

Submissions (2):

Ambry Genetics
Classification: Uncertain significance for Hereditary cancer-predisposing syndrome. Last evaluated: 2025-07-10. Review status: criteria provided, single submitter. Criteria: Ambry Variant Classification Scheme 2023. Collection method: clinical testing. Allele origin: germline.
Comment: The p.D1391N variant (also known as c.4171G>A), located in coding exon 29 of the ALK gene, results from a G to A substitution at nucleotide position 4171. The aspartic acid at codon 1391 is replaced by asparagine, an amino acid with highly similar properties. This amino acid position is highly conserved in available vertebrate species. In addition, this alteration is predicted to be tolerated by in silico analysis. Based on the available evidence, the clinical significance of this variant remains unclear.

Labcorp Genetics (formerly Invitae), Labcorp
Classification: Uncertain significance for Neuroblastoma, susceptibility to, 3. Last evaluated: 2025-02-15. Review status: criteria provided, single submitter. Criteria: Invitae Variant Classification Sherloc (09022015). Collection method: clinical testing. Allele origin: germline.
Comment: This sequence change replaces aspartic acid, which is acidic and polar, with asparagine, which is neutral and polar, at codon 1391 of the ALK protein (p.Asp1391Asn). This variant is not present in population databases (gnomAD no frequency). This variant has not been reported in the literature in individuals affected with ALK-related conditions. ClinVar contains an entry for this variant (Variation ID: 1020125). An algorithm developed to predict the effect of missense changes on protein structure and function (PolyPhen-2) suggests that this variant is likely to be disruptive. In summary, the available evidence is currently insufficient to determine the role of this variant in disease. Therefore, it has been classified as a Variant of Uncertain Significance.

NM_004304.5(ALK):c.4171G>A (p.Asp1391Asn)

Gene: ALK (ALK receptor tyrosine kinase; minus strand). Cytogenetic location: 2p23.2.
Variant type: single nucleotide variant.
Coding change: c.4171G>A on transcript NM_004304.5 (MANE Select); coding-DNA position 4171, G replaced by A.
Protein change: p.Asp1391Asn; replaces aspartic acid 1391 with asparagine.
Molecular consequence: missense variant.
Genome position (GRCh38, 1-based): chr2:29,193,916, C>T on the plus strand (G>A on the coding strand, the complement: ALK is on the minus strand). VCF-style: chr2-29193916-C-T. GRCh37 (hg19) VCF-style: chr2-29416782-C-T.
Other names: c.4171G>A (NM_004304.4); c.967G>A, p.Asp323Asn (NM_001353765.2); short protein forms D1391N, D323N.
Identifiers: ClinVar variation 1020125 (VCV001020125.11), dbSNP rs1231708230, ClinGen allele CA346463588.